The following is an entry in ClinVar:

NM_001199753.2(CPT1C):c.721T>C (p.Tyr241His)

Gene: CPT1C (carnitine palmitoyltransferase 1C; plus strand). Cytogenetic location: 19q13.33.
Variant type: single nucleotide variant.
Coding change: c.721T>C on transcript NM_001199753.2 (MANE Select); coding-DNA position 721, T replaced by C.
Protein change: p.Tyr241His; replaces tyrosine 241 with histidine.
Molecular consequence: missense variant. On other transcripts: non-coding transcript variant (1).
Genome position (GRCh38, 1-based): chr19:49,704,737, T>C. VCF-style: chr19-49704737-T-C. GRCh37 (hg19) VCF-style: chr19-50207994-T-C.
Other names: p.Tyr241His; c.721T>C, p.Tyr241His (NM_001136052.3, NM_001199752.3, NM_001378482.1 and 7 more transcripts); short protein forms Y241H.
Identifiers: ClinVar variation 704286 (VCV000704286.15), dbSNP rs144205321, ClinGen allele CA9581921.

ClinVar aggregate classification (germline): Benign/Likely benign. Review status: criteria provided, multiple submitters, no conflicts (2 of 4 stars). 5 submissions from 5 submitters: Benign (1); Likely benign (3). 1 of the submissions does not count toward it. Last evaluated 2026-02-09.

Conditions:
Hereditary spastic paraplegia 73. Also called: Spastic paraplegia 73, autosomal dominant. Identifiers: Orphanet 444099, MedGen C5568981, MONDO:0014568, OMIM 616282.
CPT1C-related disorder. Also called: CPT1C-related condition.

Allele frequency attached by ClinVar (database versions not stated): gnomAD exomes 0.00022 and 0.00059; ExAC 0.00070; 1000 Genomes Project 0.00200; 1000 Genomes Project 30x 0.00203; gnomAD 0.00229 and 0.00242; ESP Exome Variant Server 0.00238; TOPMed 0.00262.

Submissions (5):

Women's Health and Genetics/Laboratory Corporation of America, LabCorp
Classification: Likely benign. Last evaluated: 2026-02-09. Review status: criteria provided, single submitter. Criteria: LabCorp Variant Classification Summary - May 2015. Collection method: clinical testing. Allele origin: germline.
Comment: Variant summary: CPT1C c.721T>C (p.Tyr241His) results in a conservative amino acid change in the encoded protein sequence. Algorithms developed to predict the effect of missense changes on protein structure and function are either unavailable or do not agree on the potential impact of this missense change. The variant allele was found at a frequency of 0.00059 in 251242 control chromosomes, predominantly at a frequency of 0.0081 within the African or African-American subpopulation in the gnomAD database. The observed variant frequency within African or African-American control individuals in the gnomAD database exceeds the estimated maximal expected allele frequency for disease-causing variants in CPT1C. To our knowledge, no occurrence of c.721T>C in individuals affected with CPT1C-related conditions and no experimental evidence demonstrating its impact on protein function have been reported. ClinVar contains an entry for this variant (Variation ID: 704286). Based on the evidence outlined above, the variant was classified as likely benign.

Labcorp Genetics (formerly Invitae), Labcorp
Classification: Likely benign for Hereditary spastic paraplegia 73. Last evaluated: 2025-11-27. Review status: criteria provided, single submitter. Criteria: Invitae Variant Classification Sherloc (09022015). Collection method: clinical testing. Allele origin: germline.

Mayo Clinic Laboratories, Mayo Clinic
Classification: Benign. Last evaluated: 2022-12-29. Review status: criteria provided, single submitter. Criteria: ACMG Guidelines, 2015. Collection method: clinical testing. Allele origin: germline. Observed: 2 variant alleles.
Comment: BS1, BS2, PP3

Breakthrough Genomics
Classification: Likely benign. Review status: criteria provided, single submitter. Criteria: ACMG Guidelines, 2015. Collection method: not provided. Allele origin: germline. Inheritance: Autosomal dominant inheritance. Affected: yes.

PreventionGenetics, part of Exact Sciences
Classification: Benign for CPT1C-related condition. Last evaluated: 2019-08-21. Review status: no assertion criteria provided. Collection method: clinical testing. Allele origin: germline. Not counted in ClinVar's aggregate classification.
Comment: This variant is classified as benign based on ACMG/AMP sequence variant interpretation guidelines (Richards et al. 2015 PMID: 25741868, with internal and published modifications).